The following is an entry in ClinVar:

NM_021625.5(TRPV4):c.1824+1G>A

Gene: TRPV4 (transient receptor potential cation channel subfamily V member 4; minus strand). Cytogenetic location: 12q24.11.
Variant type: single nucleotide variant.
Coding change: c.1824+1G>A on transcript NM_021625.5 (MANE Select); the canonical splice donor site of the intron after coding-DNA position 1824, G replaced by A.
Molecular consequence: splice donor variant.
Genome position (GRCh38, 1-based): chr12:109,792,651, C>T on the plus strand (G>A on the coding strand, the complement: TRPV4 is on the minus strand). VCF-style: chr12-109792651-C-T. GRCh37 (hg19) VCF-style: chr12-110230456-C-T.
Other names: c.1503+1G>A (NM_001177433.1); c.1683+1G>A (NM_001177428.1); c.1644+1G>A (NM_147204.2); c.1722+1G>A (NM_001177431.1).
Identifiers: ClinVar variation 1446265 (VCV001446265.6), dbSNP rs758491211, ClinGen allele CA6780099.

ClinVar aggregate classification (germline): Uncertain significance (1 of 4 stars; one submission).

Conditions:
Charcot-Marie-Tooth disease axonal type 2C (HMSN2C). Also called: Charcot-Marie-Tooth Disease Type 2, TRPV4-Related (CMT2C); CHARCOT-MARIE-TOOTH DISEASE, AXONAL, AUTOSOMAL DOMINANT, TYPE 2C; Charcot-Marie-Tooth Neuropathy Type 2C. Identifiers: Orphanet 99937, MedGen C1853710, MONDO:0011633, OMIM 606071.

Allele frequency attached by ClinVar (database versions not stated): gnomAD exomes 0.00001 and below 0.00001; ExAC 0.00001.
gnomAD v4.1: 9 of 1,614,144 alleles (0.00056%); highest among the groups gnomAD compares: Non-Finnish European, 0.00068%; no homozygotes.

Submission:

Labcorp Genetics (formerly Invitae), Labcorp
Classification: Uncertain significance for Charcot-Marie-Tooth disease axonal type 2C. Last evaluated: 2022-07-19. Review status: criteria provided, single submitter. Criteria: Invitae Variant Classification Sherloc (09022015). Collection method: clinical testing. Allele origin: germline.
Comment: In summary, the available evidence is currently insufficient to determine the role of this variant in disease. Therefore, it has been classified as a Variant of Uncertain Significance. Algorithms developed to predict the effect of sequence changes on RNA splicing suggest that this variant may disrupt the consensus splice site. ClinVar contains an entry for this variant (Variation ID: 1446265). This variant has not been reported in the literature in individuals affected with TRPV4-related conditions. This variant is present in population databases (rs758491211, gnomAD 0.0009%). This sequence change affects a donor splice site in intron 11 of the TRPV4 gene. It is expected to disrupt RNA splicing. Variants that disrupt the donor or acceptor splice site typically lead to a loss of protein function (PMID: 16199547), however the current clinical and genetic evidence is not sufficient to establish whether loss-of-function variants in TRPV4 cause disease.

Literature cited by the submitters: PubMed 16199547.